The following is an entry in ClinVar:

NM_001267550.2(TTN):c.32569A>G (p.Lys10857Glu)

Gene: TTN (titin; minus strand). Cytogenetic location: 2q31.2.
Variant type: single nucleotide variant.
Coding change: c.32569A>G on transcript NM_001267550.2 (MANE Select); coding-DNA position 32569, A replaced by G.
Protein change: p.Lys10857Glu; replaces lysine 10857 with glutamic acid.
Molecular consequence: missense variant. On other transcripts: intron variant (3).
Genome position (GRCh38, 1-based): chr2:178,684,735, T>C on the plus strand (A>G on the coding strand, the complement: TTN is on the minus strand). VCF-style: chr2-178684735-T-C. GRCh37 (hg19) VCF-style: chr2-179549462-T-C.
Other names: c.32569A>G (LRG_391t1); c.31618A>G, p.Lys10540Glu (NM_001256850.1); c.28837A>G, p.Lys9613Glu (NM_133378.4); c.13283-42418A>G (NM_003319.4); c.13859-42418A>G (NM_133437.4); c.13658-42418A>G (NM_133432.3); short protein forms K10857E, K9613E, K10540E.
Identifiers: ClinVar variation 448787 (VCV000448787.3), dbSNP rs372878566, ClinGen allele CA1998595.

ClinVar aggregate classification (germline): Uncertain significance. Review status: criteria provided, multiple submitters, no conflicts (2 of 4 stars). 3 submissions from 3 submitters: Uncertain significance (3). Last evaluated 2026-05-08.

Conditions:
TTN-related disorder. Also called: TTN-related condition; TTN-related disease; TTN-related disorders.
Hypertrophic cardiomyopathy 9. Also called: Familial hypertrophic cardiomyopathy 9. Identifiers: MedGen C1861065, MONDO:0013412, OMIM 613765.
Myopathy, myofibrillar, 9, with early respiratory failure (MFM9). Also called: Hereditary myopathy with early respiratory failure; MYOPATHY, PROXIMAL, WITH EARLY RESPIRATORY MUSCLE INVOLVEMENT; EDSTROM MYOPATHY; Myopathy, distal, with early respiratory failure, autosomal dominant. Identifiers: Orphanet 178464, Orphanet 34521, MedGen C1863599, MONDO:0011362, OMIM 603689.
Tibial muscular dystrophy (TMD). Also called: Udd Distal Myopathy – Tibial Muscular Dystrophy; UDD MYOPATHY; Tibial muscular dystrophy, tardive. Identifiers: Orphanet 609, MedGen C1838244, MONDO:0010870, OMIM 600334.
Autosomal recessive limb-girdle muscular dystrophy type 2J (LGMDR10). Also called: Limb-girdle muscular dystrophy, type 2J; MUSCULAR DYSTROPHY, LIMB-GIRDLE, AUTOSOMAL RECESSIVE 10. Identifiers: Orphanet 140922, MedGen C1837342, MONDO:0012127, OMIM 608807.
Dilated cardiomyopathy 1G (CMD1G). Identifiers: Orphanet 154, MedGen C1858763, MONDO:0011400, OMIM 604145.
Early-onset myopathy with fatal cardiomyopathy (CMYO5). Also called: Salih Myopathy; CONGENITAL MYOPATHY 5 WITH CARDIOMYOPATHY. Identifiers: Orphanet 289377, MedGen C2673677, MONDO:0012714, OMIM 611705. Disease mechanism: loss of function.

Allele frequency attached by ClinVar (database versions not stated): gnomAD exomes 0.00001 and 0.00003; ExAC 0.00003; TOPMed 0.00005; gnomAD 0.00007; ESP Exome Variant Server 0.00017.

Submissions (3):

PreventionGenetics, part of Exact Sciences
Classification: Uncertain significance for TTN-related condition. Last evaluated: 2026-05-08. Review status: criteria provided, single submitter. Criteria: ACMG Guidelines, 2015. Collection method: clinical testing. Allele origin: germline.
Comment: The TTN c.32569A>G variant is predicted to result in the amino acid substitution p.Lys10857Glu. To our knowledge, this variant has not been reported in the literature. This variant is reported in 0.033% of alleles in individuals of African descent in gnomAD. At this time, the clinical significance of this variant is uncertain due to the absence of conclusive functional and genetic evidence.

Fulgent Genetics
Classification: Uncertain significance for Tibial muscular dystrophy; Myopathy, myofibrillar, 9, with early respiratory failure; Dilated cardiomyopathy 1G; Autosomal recessive limb-girdle muscular dystrophy type 2J; Early-onset myopathy with fatal cardiomyopathy; Hypertrophic cardiomyopathy 9. Last evaluated: 2021-08-02. Review status: criteria provided, single submitter. Criteria: ACMG Guidelines, 2015. Collection method: clinical testing. Allele origin: unknown.

Athena Diagnostics
Classification: Uncertain significance. Last evaluated: 2017-06-07. Review status: criteria provided, single submitter. Criteria: Athena Diagnostics Criteria. Collection method: clinical testing. Allele origin: germline.